The following is an entry in ClinVar:

ClinVar aggregate classification (germline): Conflicting classifications of pathogenicity. Review status: criteria provided, conflicting classifications (1 of 4 stars). 5 submissions from 5 submitters: Uncertain significance (3); Likely benign (1). 1 of the submissions does not count toward it. Last evaluated 2026-06-01.

Conditions:
Hereditary cancer-predisposing syndrome. Also called: Neoplastic Syndromes, Hereditary; Hereditary Cancer Syndrome; Tumor predisposition; Hereditary neoplastic syndrome. Identifiers: Orphanet 140162, MedGen C0027672, MeSH D009386, MONDO:0015356.
Familial cancer of breast. Also called: hereditary breast carcinoma; BREAST CANCER, FAMILIAL; Hereditary breast cancer. Identifiers: Orphanet 227535, MedGen C0346153, MONDO:0016419, OMIM 114480. Disease mechanism: loss of function.
Fanconi anemia complementation group N. Also called: PALB2-Related Fanconi Anemia. Identifiers: Orphanet 84, MedGen C1835817, MONDO:0012565, OMIM 610832. Disease mechanism: loss of function.
Pancreatic cancer, susceptibility to, 3. Identifiers: Orphanet 1333, MedGen C3150547, MONDO:0013236, OMIM 613348.

Allele frequency attached by ClinVar (database versions not stated): gnomAD exomes below 0.00001.
gnomAD v4.1: 2 of 1,614,126 alleles (0.00012%); highest among the groups gnomAD compares: Non-Finnish European, 0.00017%; no homozygotes.

Submissions (5):

Ambry Genetics
Classification: Likely benign for Hereditary cancer-predisposing syndrome. Last evaluated: 2026-06-01. Review status: criteria provided, single submitter. Criteria: Ambry Variant Classification Scheme 2023. Collection method: clinical testing. Allele origin: germline.

Quest Diagnostics Nichols Institute San Juan Capistrano
Classification: Uncertain significance. Last evaluated: 2023-06-28. Review status: criteria provided, single submitter. Criteria: Quest Diagnostics criteria. Collection method: clinical testing. Allele origin: unknown.
Comment: This variant has not been reported in the published literature. It also has not been reported in large, multi-ethnic general populations (Genome Aggregation Database). Analysis of this variant using bioinformatics tools for the prediction of the effect of amino acid changes on protein structure and function yielded predictions that this variant is benign. Based on the available information, we are unable to determine the clinical significance of this variant.

Fulgent Genetics
Classification: Uncertain significance for Familial cancer of breast; Fanconi anemia complementation group N; Pancreatic cancer, susceptibility to, 3. Last evaluated: 2022-02-10. Review status: criteria provided, single submitter. Criteria: ACMG Guidelines, 2015. Collection method: clinical testing. Allele origin: unknown.

Color Diagnostics, LLC DBA Color Health
Classification: Uncertain significance for Hereditary cancer-predisposing syndrome. Last evaluated: 2020-10-05. Review status: criteria provided, single submitter. Criteria: ACMG Guidelines, 2015. Collection method: clinical testing. Allele origin: germline.
Comment: This missense variant replaces serine with proline at codon 500 of the PALB2 protein. Computational prediction suggests that this variant may not impact protein structure and function (internally defined REVEL score threshold <= 0.5, PMID: 27666373). To our knowledge, functional studies have not been reported for this variant. This variant has not been reported in individuals affected with hereditary cancer in the literature. This variant has not been identified in the general population by the Genome Aggregation Database (gnomAD). The available evidence is insufficient to determine the role of this variant in disease conclusively. Therefore, this variant is classified as a Variant of Uncertain Significance.

Faculty of Pharmacy, Medical University of Gdansk
Classification: Uncertain significance for Familial cancer of breast. Last evaluated: 2014-02-01. Review status: no assertion criteria provided. Criteria: ACMG Guidelines, 2015. Collection method: research. Allele origin: unknown. Affected: yes. Not counted in ClinVar's aggregate classification.

NM_024675.4(PALB2):c.1498T>C (p.Ser500Pro)

Gene: PALB2 (partner and localizer of BRCA2; minus strand). Cytogenetic location: 16p12.2.
Variant type: single nucleotide variant.
Coding change: c.1498T>C on transcript NM_024675.4 (MANE Select); coding-DNA position 1498, T replaced by C.
Protein change: p.Ser500Pro; replaces serine 500 with proline.
Molecular consequence: missense variant.
Genome position (GRCh38, 1-based): chr16:23,635,048, A>G on the plus strand (T>C on the coding strand, the complement: PALB2 is on the minus strand). VCF-style: chr16-23635048-A-G. GRCh37 (hg19) VCF-style: chr16-23646369-A-G.
Other names: short protein forms S500P.
Identifiers: ClinVar variation 221571 (VCV000221571.7), dbSNP rs869025294, ClinGen allele CA356941.
Genomic context (GRCh38, chr16:23,635,048, plus strand): 5'-AGGCTGATTTTCTTTTTCCTGTGTATCTTCTACCAGGTGCTTGGGCAACTGCCTTCCTAG[A>G]CAAGTCATTATCTTCAGTGGGCCCAGCGGGAGAGCTGACTTTAGTTAATGAGAGAAGTTT-3'
Protein context (NP_078951.2, residues 490-510): PAGPTEDNDL[Ser500Pro]RKAVAQAPGR